The following is an entry in ClinVar:

NM_000548.5(TSC2):c.849-3T>C

Gene: TSC2 (TSC complex subunit 2; plus strand). Cytogenetic location: 16p13.3.
Variant type: single nucleotide variant.
Coding change: c.849-3T>C on transcript NM_000548.5 (MANE Select); 3 bases into the intron before coding-DNA position 849, T replaced by C.
Molecular consequence: intron variant.
Genome position (GRCh38, 1-based): chr16:2,058,744, T>C. VCF-style: chr16-2058744-T-C. GRCh37 (hg19) VCF-style: chr16-2108745-T-C.
Other names: c.849-3T>C (NM_001114382.3, NM_021055.3, NM_001370405.1 and 3 more transcripts); c.738-3T>C (NM_001318827.2); c.249-3T>C (NM_001318831.2); c.702-3T>C (NM_001318829.2); c.882-3T>C (NM_001318832.2).
Identifiers: ClinVar variation 535929 (VCV000535929.11), dbSNP rs45489591, ClinGen allele CA658798478.

ClinVar aggregate classification (germline): Conflicting classifications of pathogenicity. Review status: criteria provided, conflicting classifications (1 of 4 stars). 3 submissions from 3 submitters: Uncertain significance (2); Likely benign (1). Last evaluated 2025-05-12.

Conditions:
Tuberous sclerosis 2 (TSC2). Identifiers: Orphanet 805, MedGen C1860707, MONDO:0013199, OMIM 613254.
Hereditary cancer-predisposing syndrome. Also called: Neoplastic Syndromes, Hereditary; Tumor predisposition; Hereditary Cancer Syndrome; Hereditary neoplastic syndrome. Identifiers: Orphanet 140162, MedGen C0027672, MeSH D009386, MONDO:0015356.

Submissions (3):

Myriad Genetics, Inc.
Classification: Likely benign for Tuberous sclerosis 2. Last evaluated: 2025-05-12. Review status: criteria provided, single submitter. Criteria: Myriad Autosomal Dominant, Autosomal Recessive and X-Linked Classification Criteria (2023). Collection method: clinical testing. Allele origin: unknown.
Comment: This variant is considered likely benign. This variant is intronic and is not expected to impact mRNA splicing.

Labcorp Genetics (formerly Invitae), Labcorp
Classification: Uncertain significance for Tuberous sclerosis 2. Last evaluated: 2024-03-15. Review status: criteria provided, single submitter. Criteria: Invitae Variant Classification Sherloc (09022015). Collection method: clinical testing. Allele origin: germline.
Comment: This sequence change falls in intron 9 of the TSC2 gene. It does not directly change the encoded amino acid sequence of the TSC2 protein. It affects a nucleotide within the consensus splice site. This variant is not present in population databases (gnomAD no frequency). This variant has not been reported in the literature in individuals affected with TSC2-related conditions. ClinVar contains an entry for this variant (Variation ID: 535929). Variants that disrupt the consensus splice site are a relatively common cause of aberrant splicing (PMID: 17576681, 9536098). Algorithms developed to predict the effect of sequence changes on RNA splicing suggest that this variant is not likely to affect RNA splicing. In summary, the available evidence is currently insufficient to determine the role of this variant in disease. Therefore, it has been classified as a Variant of Uncertain Significance.

Ambry Genetics
Classification: Uncertain significance for Hereditary cancer-predisposing syndrome. Last evaluated: 2023-01-11. Review status: criteria provided, single submitter. Criteria: Ambry Variant Classification Scheme 2023. Collection method: clinical testing. Allele origin: germline.
Comment: The c.849-3T>C intronic variant results from a T to C substitution 3 nucleotides upstream from coding exon 9 in the TSC2 gene. This nucleotide position is not well conserved in available vertebrate species. In silico splice site analysis predicts that this alteration will not have any significant effect on splicing. Since supporting evidence is limited at this time, the clinical significance of this alteration remains unclear.

Literature cited by the submitters: PubMed 17576681 (cited by Labcorp Genetics (formerly Invitae), Labcorp); PubMed 9536098 (cited by Labcorp Genetics (formerly Invitae), Labcorp).